The following is an entry in ClinVar:

NM_201384.3(PLEC):c.5627A>G (p.Gln1876Arg)

Gene: PLEC (plectin; minus strand). Cytogenetic location: 8q24.3.
Variant type: single nucleotide variant.
Coding change: c.5627A>G on transcript NM_201384.3 (MANE Select); coding-DNA position 5627, A replaced by G.
Protein change: p.Gln1876Arg; replaces glutamine 1876 with arginine.
Molecular consequence: missense variant. On other transcripts: intron variant (1).
Genome position (GRCh38, 1-based): chr8:143,924,302, T>C on the plus strand (A>G on the coding strand, the complement: PLEC is on the minus strand). VCF-style: chr8-143924302-T-C. GRCh37 (hg19) VCF-style: chr8-144998470-T-C.
Other names: c.5708A>G, p.Gln1903Arg (NM_000445.5); c.5585A>G, p.Gln1862Arg (NM_201378.4); c.5561A>G, p.Gln1854Arg (NM_201379.3); c.6038A>G, p.Gln2013Arg (NM_201380.4); c.5531A>G, p.Gln1844Arg (NM_201381.3); c.5627A>G, p.Gln1876Arg (NM_201382.4); c.5639A>G, p.Gln1880Arg (NM_201383.3); c.4126-1907A>G (NM_001410941.1); short protein forms Q1862R, Q1844R, Q1880R, Q1854R, Q1876R, Q1903R, Q2013R.
Identifiers: ClinVar variation 2937367 (VCV002937367.3), dbSNP rs1824086525, ClinGen allele CA372543106.

ClinVar aggregate classification (germline): Uncertain significance (1 of 4 stars; one submission).

Conditions:
Epidermolysis bullosa simplex with nail dystrophy (EBS5D). Identifiers: MedGen C4225309, MONDO:0014661, OMIM 616487.
Epidermolysis bullosa simplex 5C, with pyloric atresia (EBS5C). Also called: PLEC-Related Epidermolysis Bullosa with Pyloric Atresia; Epidermolysis bullosa simplex with pyloric atresia; PLEC1-Related Epidermolysis Bullosa with Pyloric Atresia. Identifiers: Orphanet 158684, MedGen C2677349, MONDO:0012807, OMIM 612138.
Autosomal recessive limb-girdle muscular dystrophy type 2Q (LGMDR17). Also called: MUSCULAR DYSTROPHY, LIMB-GIRDLE, AUTOSOMAL RECESSIVE 17. Identifiers: Orphanet 254361, MedGen C3150989, MONDO:0013390, OMIM 613723.
Epidermolysis bullosa simplex, Ogna type (EBS5A). Also called: Pidermolysis bullosa simplex 5A, Ogna type; EPIDERMOLYSIS BULLOSA SIMPLEX 5A, OGNA TYPE. Identifiers: Orphanet 79401, MedGen C0432317, MONDO:0007555, OMIM 131950.
Epidermolysis bullosa simplex 5B, with muscular dystrophy (EBS5B). Also called: EPIDERMOLYSIS BULLOSA SIMPLEX AND LIMB-GIRDLE MUSCULAR DYSTROPHY; Epidermolysis bullosa simplex with muscular dystrophy. Identifiers: Orphanet 257, MedGen C2931072, MONDO:0009181, OMIM 226670.

Allele frequency attached by ClinVar (database versions not stated): gnomAD exomes below 0.00001; gnomAD 0.00001.
gnomAD v4.1: 4 of 1,595,080 alleles (0.00025%); highest among the groups gnomAD compares: Non-Finnish European, 0.00017%; no homozygotes.

Submission:

Labcorp Genetics (formerly Invitae), Labcorp
Classification: Uncertain significance for Autosomal recessive limb-girdle muscular dystrophy type 2Q; Epidermolysis bullosa simplex, Ogna type; Epidermolysis bullosa simplex with nail dystrophy; Epidermolysis bullosa simplex 5C, with pyloric atresia; Epidermolysis bullosa simplex 5B, with muscular dystrophy. Last evaluated: 2023-05-15. Review status: criteria provided, single submitter. Criteria: Invitae Variant Classification Sherloc (09022015). Collection method: clinical testing. Allele origin: germline.
Comment: Experimental studies and prediction algorithms are not available or were not evaluated, and the functional significance of this variant is currently unknown. In summary, the available evidence is currently insufficient to determine the role of this variant in disease. Therefore, it has been classified as a Variant of Uncertain Significance. This variant has not been reported in the literature in individuals affected with PLEC-related conditions. This variant is not present in population databases (gnomAD no frequency). This sequence change replaces glutamine, which is neutral and polar, with arginine, which is basic and polar, at codon 1903 of the PLEC protein (p.Gln1903Arg).